The following is an entry in ClinVar:

ClinVar aggregate classification (germline): Uncertain significance. Review status: criteria provided, multiple submitters, no conflicts (2 of 4 stars). 2 submissions from 2 submitters: Uncertain significance (2). Last evaluated 2025-12-09.

Conditions:
Cardiovascular phenotype. Identifiers: MedGen CN230736.
Alagille syndrome due to a JAG1 point mutation. Also called: JAG1-Related Alagille Syndrome; Alagille Syndrome 1; HEPATIC DUCTULAR HYPOPLASIA, SYNDROMATIC. Identifiers: Orphanet 261619, Orphanet 52, MedGen C1956125, MONDO:0016862, OMIM 118450.

Submissions (2):

Labcorp Genetics (formerly Invitae), Labcorp
Classification: Uncertain significance for Alagille syndrome due to a JAG1 point mutation. Last evaluated: 2025-12-09. Review status: criteria provided, single submitter. Criteria: Invitae Variant Classification Sherloc (09022015). Collection method: clinical testing. Allele origin: germline.
Comment: This sequence change replaces glycine, which is neutral and non-polar, with arginine, which is basic and polar, at codon 11 of the JAG1 protein (p.Gly11Arg). This variant is not present in population databases (gnomAD no frequency). This variant has not been reported in the literature in individuals affected with JAG1-related conditions. ClinVar contains an entry for this variant (Variation ID: 3531175). Invitae Evidence Modeling of protein sequence and biophysical properties (such as structural, functional, and spatial information, amino acid conservation, physicochemical variation, residue mobility, and thermodynamic stability) indicates that this missense variant is not expected to disrupt JAG1 protein function with a negative predictive value of 95%. In summary, the available evidence is currently insufficient to determine the role of this variant in disease. Therefore, it has been classified as a Variant of Uncertain Significance.

Ambry Genetics
Classification: Uncertain significance for Cardiovascular phenotype. Last evaluated: 2024-10-19. Review status: criteria provided, single submitter. Criteria: Ambry Variant Classification Scheme 2023. Collection method: clinical testing. Allele origin: germline.
Comment: The p.G11R variant (also known as c.31G>A), located in coding exon 1 of the JAG1 gene, results from a G to A substitution at nucleotide position 31. The glycine at codon 11 is replaced by arginine, an amino acid with dissimilar properties. This amino acid position is conserved. In addition, this alteration is predicted to be tolerated by in silico analysis. Based on the available evidence, the clinical significance of this variant remains unclear.

NM_000214.3(JAG1):c.31G>A (p.Gly11Arg)

Gene: JAG1 (jagged canonical Notch ligand 1; minus strand). Cytogenetic location: 20p12.2.
Variant type: single nucleotide variant.
Coding change: c.31G>A on transcript NM_000214.3 (MANE Select); coding-DNA position 31, G replaced by A.
Protein change: p.Gly11Arg; replaces glycine 11 with arginine.
Molecular consequence: missense variant.
Genome position (GRCh38, 1-based): chr20:10,673,500, C>T on the plus strand (G>A on the coding strand, the complement: JAG1 is on the minus strand). VCF-style: chr20-10673500-C-T. GRCh37 (hg19) VCF-style: chr20-10654148-C-T.
Other names: short protein forms G11R.
Identifiers: ClinVar variation 3531175 (VCV003531175.2).